The following is an entry in ClinVar:

NM_206933.4(USH2A):c.14512_14525del (p.Gly4838fs)

Gene: USH2A (usherin; minus strand). Cytogenetic location: 1q41.
Variant type: Deletion.
Coding change: c.14512_14525del on transcript NM_206933.4 (MANE Select); coding-DNA positions 14512 to 14525, 14 bases deleted (GGGACGCTGGCCTC).
Protein change: p.Gly4838fs; shifts the reading frame from glycine 4838.
Molecular consequence: frameshift variant.
Genome position (GRCh38, 1-based): chr1:215,648,585-215,648,598, GAGGCCAGCGTCCC deleted on the plus strand (GGGACGCTGGCCTC on the coding strand, the reverse complement: USH2A is on the minus strand); deleting any 14 consecutive bases within chr1:215,648,585-215,648,600 gives the same sequence; the c. name uses the placement nearest the transcript's 3' end. VCF-style (leftmost placement, unchanged base first): chr1-215648584-TGAGGCCAGCGTCCC-T. GRCh37 (hg19) VCF-style: chr1-215821926-TGAGGCCAGCGTCCC-T.
Other names: short protein forms G4838fs.
Identifiers: ClinVar variation 5004373 (VCV005004373.1).

ClinVar aggregate classification (germline): Pathogenic (1 of 4 stars; one submission).

Conditions:
USH2A-related disorder. Also called: USH2A-related condition; USH2A-related disorders. Identifiers: MedGen CN239332.

Submission:

Myriad Genetics, Inc.
Classification: Pathogenic for USH2A-related disorder. Last evaluated: 2026-01-07. Review status: criteria provided, single submitter. Criteria: Myriad Autosomal Dominant, Autosomal Recessive and X-Linked Classification Criteria (2023). Collection method: clinical testing. Allele origin: unknown.
Comment: NM_206933.2(USH2A):c.14512_14525del14(G4838Kfs*21) is a frameshift variant classified as pathogenic in the context of USH2A-related disorders. G4838Kfs*21 has been observed in a case with relevant disease (PMID: 38219857). Relevant functional assessments of this variant are not available in the literature. G4838Kfs*21 has not been observed in referenced population frequency databases. In summary, NM_206933.2(USH2A):c.14512_14525del14(G4838Kfs*21) is a frameshift variant in a gene where loss of function is a known mechanism of disease, is predicted to disrupt protein function, and has been observed more frequently in cases with the relevant disease than in healthy populations. Please note: this variant was assessed in the context of healthy population screening.

Literature cited by the submitters: PubMed 38219857.